The following is an entry in ClinVar:

ClinVar aggregate classification (germline): Conflicting classifications of pathogenicity. Review status: criteria provided, conflicting classifications (1 of 4 stars). 3 submissions from 3 submitters: Likely pathogenic (2); Uncertain significance (1). Last evaluated 2026-01-20.

Conditions:
Ellis-van Creveld syndrome (EVC). Also called: Chondroectodermal dysplasia; MESOECTODERMAL DYSPLASIA. Identifiers: Orphanet 289, MedGen C0013903, MONDO:0009162, OMIM 225500.
Curry-Hall syndrome (WAD). Also called: WEYERS ACRODENTAL DYSOSTOSIS. Identifiers: Orphanet 952, MedGen C0457013, MONDO:0008673, OMIM 193530.

Submissions (3):

3billion
Classification: Uncertain significance for Ellis-van Creveld syndrome. Last evaluated: 2026-01-20. Review status: criteria provided, single submitter. Criteria: ACMG Guidelines, 2015. Collection method: clinical testing. Allele origin: germline. Affected: yes.
Comment: The variant is observed at an extremely low frequency in the gnomAD v4.1.0 dataset (total allele frequency: <0.001%). Predicted Consequence/Location: 5' UTR variant The variant has been reported to be associated with EVC-related disorder (ClinVar ID: VCV003590623). However, the evidence of pathogenicity is insufficient at this time. Therefore, this variant is classified as VUS according to the recommendation of ACMG/AMP guideline.

First Genomix Gene Laboratory, Genetic Diagnostics Department
Classification: Likely pathogenic for Ellis-van Creveld syndrome. Last evaluated: 2025-08-01. Review status: criteria provided, single submitter. Criteria: ACMG Guidelines, 2015. Collection method: clinical testing. Allele origin: germline. Inheritance: Autosomal recessive inheritance. Affected: no. Observed: 1 variant allele.

Fulgent Genetics
Classification: Likely pathogenic for Curry-Hall syndrome; Ellis-van Creveld syndrome. Last evaluated: 2024-05-14. Review status: criteria provided, single submitter. Criteria: ACMG Guidelines, 2015. Collection method: clinical testing. Allele origin: germline.

NM_153717.3(EVC):c.-31_15dup (p.Ala6fs)

Genes: EVC (EvC ciliary complex subunit 1; plus strand), LOC129992144 (ATAC-STARR-seq lymphoblastoid silent region 15223; plus strand). Cytogenetic location: 4p16.2.
Variant type: Duplication.
Coding change: c.-31_15dup on transcript NM_153717.3 (MANE Select); 31 bases upstream of the start codon through coding-DNA position 15, 46 bases duplicated.
Protein change: p.Ala6fs; shifts the reading frame from alanine 6.
Molecular consequence: frameshift variant, initiator codon variant.
Genome position (GRCh38, 1-based): chr4:5,711,350-5,711,395, 46 bases duplicated; duplicating any 46 consecutive bases within chr4:5,711,342-5,711,395 gives the same sequence; the c. name uses the placement nearest the transcript's 3' end. GRCh37 (hg19): chr4:5,713,077-5,713,122.
Other names: c.-31_15dup, p.Ala6fs (NM_001306090.2, NM_001306092.2); short protein forms A6fs.
Identifiers: ClinVar variation 3590623 (VCV003590623.3).